The following is an entry in ClinVar:

NM_005859.5(PURA):c.114_140dup (p.Gly49_Ala50insGlyGlySerGlyGlyGlyGlyGlyGly)

Gene: PURA (purine rich element binding protein A; plus strand). Cytogenetic location: 5q31.3.
Variant type: Duplication.
Coding change: c.114_140dup on transcript NM_005859.5 (MANE Select); coding-DNA positions 114 to 140, 27 bases duplicated (GGGCGGCGGCGGCAGTGGCGGCGGCGG).
Protein change: p.Gly49_Ala50insGlyGlySerGlyGlyGlyGlyGlyGly.
Molecular consequence: inframe insertion.
Genome position (GRCh38, 1-based): chr5:140,114,295-140,114,321, GGGCGGCGGCGGCAGTGGCGGCGGCGG duplicated; duplicating any 27 consecutive bases within chr5:140,114,287-140,114,321 gives the same sequence; the c. name uses the placement nearest the transcript's 3' end. VCF-style (leftmost placement, unchanged base first): chr5-140114286-T-TGGCGGCGGGGGCGGCGGCGGCAGTGGC. GRCh37 (hg19) VCF-style: chr5-139493871-T-TGGCGGCGGGGGCGGCGGCGGCAGTGGC.
Identifiers: ClinVar variation 2983613 (VCV002983613.3), dbSNP rs1271325628, ClinGen allele CA2740094091.

ClinVar aggregate classification (germline): Uncertain significance (1 of 4 stars; one submission).

Conditions:
PURA-related severe neonatal hypotonia-seizures-encephalopathy syndrome (NEDRIHF). Also called: NEURODEVELOPMENTAL DISORDER WITH NEONATAL RESPIRATORY INSUFFICIENCY, HYPOTONIA, AND FEEDING DIFFICULTIES; PURA-Related Neurodevelopmental Disorders. Identifiers: Orphanet 438213, Orphanet 438216, MedGen C4015357, MONDO:1060108, OMIM 616158, MONDO:0018580.

Submission:

Labcorp Genetics (formerly Invitae), Labcorp
Classification: Uncertain significance for PURA-related severe neonatal hypotonia-seizures-encephalopathy syndrome. Last evaluated: 2025-07-18. Review status: criteria provided, single submitter. Criteria: Invitae Variant Classification Sherloc (09022015). Collection method: clinical testing. Allele origin: germline.
Comment: This variant, c.114_140dup, results in the insertion of 9 amino acid(s) of the PURA protein (p.Gly41_Gly49dup), but otherwise preserves the integrity of the reading frame. The frequency data for this variant in the population databases is considered unreliable, as metrics indicate insufficient coverage at this position in the gnomAD database. This variant has not been reported in the literature in individuals affected with PURA-related conditions. ClinVar contains an entry for this variant (Variation ID: 2983613). In summary, the available evidence is currently insufficient to determine the role of this variant in disease. Therefore, it has been classified as a Variant of Uncertain Significance.